The following is an entry in ClinVar:

NM_001987.5(ETV6):c.470G>C (p.Cys157Ser)

Gene: ETV6 (ETS variant transcription factor 6; plus strand). Cytogenetic location: 12p13.2.
Variant type: single nucleotide variant.
Coding change: c.470G>C on transcript NM_001987.5 (MANE Select); coding-DNA position 470, G replaced by C.
Protein change: p.Cys157Ser; replaces cysteine 157 with serine.
Molecular consequence: missense variant.
Genome position (GRCh38, 1-based): chr12:11,869,430, G>C. VCF-style: chr12-11869430-G-C. GRCh37 (hg19) VCF-style: chr12-12022364-G-C.
Other names: c.467G>C, p.Cys156Ser (NM_001413913.1); c.443G>C, p.Cys148Ser (NM_001413914.1); c.206G>C, p.Cys69Ser (NM_001413915.1); c.470G>C, p.Cys157Ser (NM_001413916.1, NM_001413917.1); short protein forms C148S, C156S, C157S, C69S.
Identifiers: ClinVar variation 4530804 (VCV004530804.2).

ClinVar aggregate classification (germline): Uncertain significance. Review status: criteria provided, multiple submitters, no conflicts (2 of 4 stars). 2 submissions from 2 submitters: Uncertain significance (2). Last evaluated 2026-07-06.

Conditions:
Inborn genetic diseases. Identifiers: MedGen C0950123, MeSH D030342.

Submissions (2):

Ambry Genetics
Classification: Uncertain significance for Inborn genetic diseases. Last evaluated: 2026-07-06. Review status: criteria provided, single submitter. Criteria: Ambry Variant Classification Scheme 2023. Collection method: clinical testing. Allele origin: germline.
Comment: The p.C157S variant (also known as c.470G>C), located in coding exon 5 of the ETV6 gene, results from a G to C substitution at nucleotide position 470. The cysteine at codon 157 is replaced by serine, an amino acid with dissimilar properties. This amino acid position is conserved. In addition, this alteration is predicted to be tolerated by in silico analysis. Based on the available evidence, the clinical significance of this variant remains unclear.

GeneDx
Classification: Uncertain significance. Last evaluated: 2025-05-22. Review status: criteria provided, single submitter. Criteria: GeneDx Variant Classification Process June 2021. Collection method: clinical testing. Allele origin: germline. Affected: yes.
Comment: Not observed at significant frequency in large population cohorts (gnomAD); In silico analysis suggests that this missense variant does not alter protein structure/function; Has not been previously published as pathogenic or benign to our knowledge; This variant is associated with the following publications: (PMID: 28555414, 28637624)